The following is an entry in ClinVar:

ClinVar aggregate classification (germline): Uncertain significance (1 of 4 stars; one submission).

Conditions:
Combined immunodeficiency due to STK4 deficiency (IMD110). Also called: STK4 DEFICIENCY; MST1 DEFICIENCY; T-cell immunodeficiency, recurrent infections, and autoimmunity with or without cardiac malformations. Identifiers: Orphanet 314689, MedGen C3553943, MONDO:0013934, OMIM 614868.

gnomAD v4.1: 10 of 1,613,508 alleles (0.00062%); highest among the groups gnomAD compares: Non-Finnish European, 0.00085%; no homozygotes.

Submission:

Labcorp Genetics (formerly Invitae), Labcorp
Classification: Uncertain significance for Combined immunodeficiency due to STK4 deficiency. Last evaluated: 2025-10-07. Review status: criteria provided, single submitter. Criteria: Invitae Variant Classification Sherloc (09022015). Collection method: clinical testing. Allele origin: germline.
Comment: This sequence change replaces glutamine, which is neutral and polar, with arginine, which is basic and polar, at codon 407 of the STK4 protein (p.Gln407Arg). This variant is not present in population databases (gnomAD no frequency). This variant has not been reported in the literature in individuals affected with STK4-related conditions. Invitae Evidence Modeling of protein sequence and biophysical properties (such as structural, functional, and spatial information, amino acid conservation, physicochemical variation, residue mobility, and thermodynamic stability) indicates that this missense variant is not expected to disrupt STK4 protein function with a negative predictive value of 95%. In summary, the available evidence is currently insufficient to determine the role of this variant in disease. Therefore, it has been classified as a Variant of Uncertain Significance.

NM_006282.5(STK4):c.1220A>G (p.Gln407Arg)

Gene: STK4 (serine/threonine kinase 4; plus strand). Cytogenetic location: 20q13.12.
Variant type: single nucleotide variant.
Coding change: c.1220A>G on transcript NM_006282.5 (MANE Select); coding-DNA position 1220, A replaced by G.
Protein change: p.Gln407Arg; replaces glutamine 407 with arginine.
Molecular consequence: missense variant.
Genome position (GRCh38, 1-based): chr20:45,025,045, A>G. VCF-style: chr20-45025045-A-G. GRCh37 (hg19) VCF-style: chr20-43653686-A-G.
Other names: c.1220A>G, p.Gln407Arg (NM_001352385.2); short protein forms Q407R.
Identifiers: ClinVar variation 4693111 (VCV004693111.1).
Genomic context (GRCh38, chr20:45,025,045, plus strand): 5'-CCATGCAGCCTGCGAAACCATCCTTTCTTGAATATTTTGAACAAAAAGAAAAGGAAAACC[A>G]GATCAACAGCTTTGGCAAGAGTGTACCTGGTCCACTGAAAAATTCTTCAGATTGGAAAAT-3'
Protein context (NP_006273.1, residues 397-417): EYFEQKEKEN[Gln407Arg]INSFGKSVPG